The following is an entry in ClinVar:

ClinVar aggregate classification (germline): Uncertain significance (1 of 4 stars; one submission).

Allele frequency attached by ClinVar (database versions not stated): gnomAD exomes below 0.00001.
gnomAD v4.1: 1 of 1,613,902 alleles (0.000062%); highest among the groups gnomAD compares: African/African-American, 0.0013%; no homozygotes.

Submission:

Ambry Genetics
Classification: Uncertain significance. Last evaluated: 2022-09-28. Review status: criteria provided, single submitter. Criteria: Ambry Variant Classification Scheme 2023. Collection method: clinical testing. Allele origin: germline.
Comment: The p.S227C variant (also known as c.680C>G), located in coding exon 8 of the BUB1 gene, results from a C to G substitution at nucleotide position 680. The serine at codon 227 is replaced by cysteine, an amino acid with dissimilar properties. This amino acid position is conserved. In addition, this alteration is predicted to be tolerated by in silico analysis. Since supporting evidence is limited at this time, the clinical significance of this alteration remains unclear.

NM_004336.5(BUB1):c.680C>G (p.Ser227Cys)

Gene: BUB1 (BUB1 mitotic checkpoint serine/threonine kinase; minus strand). Cytogenetic location: 2q13.
Variant type: single nucleotide variant.
Coding change: c.680C>G on transcript NM_004336.5 (MANE Select); coding-DNA position 680, C replaced by G.
Protein change: p.Ser227Cys; replaces serine 227 with cysteine.
Molecular consequence: missense variant.
Genome position (GRCh38, 1-based): chr2:110,667,646, G>C on the plus strand (C>G on the coding strand, the complement: BUB1 is on the minus strand). VCF-style: chr2-110667646-G-C. GRCh37 (hg19) VCF-style: chr2-111425223-G-C.
Other names: c.620C>G, p.Ser207Cys (NM_001278616.2); c.680C>G, p.Ser227Cys (NM_001278617.2); short protein forms S227C, S207C.
Identifiers: ClinVar variation 1755562 (VCV001755562.2), dbSNP rs2468028358, ClinGen allele CA348217891.